The following is an entry in ClinVar:

ClinVar aggregate classification (germline): Uncertain significance (1 of 4 stars; one submission).

Allele frequency attached by ClinVar (database versions not stated): gnomAD 0.00002; TOPMed 0.00002; gnomAD exomes 0.00006; ExAC 0.00007.
gnomAD v4.1: 93 of 1,606,096 alleles (0.0058%); highest among the groups gnomAD compares: South Asian, 0.021%; no homozygotes.

Submission:

Labcorp Genetics (formerly Invitae), Labcorp
Classification: Uncertain significance. Last evaluated: 2022-03-24. Review status: criteria provided, single submitter. Criteria: Invitae Variant Classification Sherloc (09022015). Collection method: clinical testing. Allele origin: germline.
Comment: In summary, the available evidence is currently insufficient to determine the role of this variant in disease. Therefore, it has been classified as a Variant of Uncertain Significance. Algorithms developed to predict the effect of missense changes on protein structure and function are either unavailable or do not agree on the potential impact of this missense change (SIFT: "Tolerated"; PolyPhen-2: "Probably Damaging"; Align-GVGD: "Class C0"). This variant has not been reported in the literature in individuals affected with FNIP1-related conditions. This variant is present in population databases (rs778603219, gnomAD 0.04%). This sequence change replaces isoleucine, which is neutral and non-polar, with valine, which is neutral and non-polar, at codon 370 of the FNIP1 protein (p.Ile370Val).

NM_133372.3(FNIP1):c.1108A>G (p.Ile370Val)

Gene: FNIP1 (folliculin interacting protein 1; minus strand). Cytogenetic location: 5q31.1.
Variant type: single nucleotide variant.
Coding change: c.1108A>G on transcript NM_133372.3 (MANE Select); coding-DNA position 1108, A replaced by G.
Protein change: p.Ile370Val; replaces isoleucine 370 with valine.
Molecular consequence: missense variant.
Genome position (GRCh38, 1-based): chr5:131,704,073, T>C on the plus strand (A>G on the coding strand, the complement: FNIP1 is on the minus strand). VCF-style: chr5-131704073-T-C. GRCh37 (hg19) VCF-style: chr5-131039766-T-C.
Other names: c.1024A>G, p.Ile342Val (NM_001008738.3); c.1108A>G, p.Ile370Val (NM_001346113.2); c.973A>G, p.Ile325Val (NM_001346114.2); short protein forms I325V, I342V, I370V.
Identifiers: ClinVar variation 2415804 (VCV002415804.4), dbSNP rs778603219, ClinGen allele CA3400754.